The following is an entry in ClinVar:

ClinVar aggregate classification (germline): Uncertain significance (1 of 4 stars; one submission).

Submission:

Labcorp Genetics (formerly Invitae), Labcorp
Classification: Uncertain significance. Last evaluated: 2022-03-19. Review status: criteria provided, single submitter. Criteria: Invitae Variant Classification Sherloc (09022015). Collection method: clinical testing. Allele origin: germline.
Comment: This variant has not been reported in the literature in individuals affected with PTPN23-related conditions. This variant is not present in population databases (gnomAD no frequency). This sequence change creates a premature translational stop signal (p.Phe1605Serfs*5) in the PTPN23 gene. While this is not anticipated to result in nonsense mediated decay, it is expected to disrupt the last 32 amino acid(s) of the PTPN23 protein. In summary, the available evidence is currently insufficient to determine the role of this variant in disease. Therefore, it has been classified as a Variant of Uncertain Significance.

NM_015466.4(PTPN23):c.4814_4815del (p.Phe1605fs)

Gene: PTPN23 (protein tyrosine phosphatase non-receptor type 23; plus strand). Cytogenetic location: 3p21.31.
Variant type: Deletion.
Coding change: c.4814_4815del on transcript NM_015466.4 (MANE Select); coding-DNA positions 4814 to 4815, 2 bases deleted (TT; older notation c.4814_4815delTT).
Protein change: p.Phe1605fs; shifts the reading frame from phenylalanine 1605.
Molecular consequence: frameshift variant.
Genome position (GRCh38, 1-based): chr3:47,413,088-47,413,089, TT deleted; deleting any 2 consecutive bases within chr3:47,413,087-47,413,089 gives the same sequence; the c. name uses the placement nearest the transcript's 3' end. VCF-style (leftmost placement, unchanged base first): chr3-47413086-CTT-C. GRCh37 (hg19) VCF-style: chr3-47454576-CTT-C.
Other names: c.4436_4437del, p.Phe1479fs (NM_001304482.2); short protein forms F1605fs, F1479fs.
Identifiers: ClinVar variation 1380600 (VCV001380600.6), dbSNP rs1576236297, ClinGen allele CA2573137076.
Genomic context (GRCh38, chr3:47,413,086, plus strand): 5'-CCCAGAGGCCTTCTCCCTGGACAGCTCCCTGCGGGGCAAACAGCGGATGAGCAAGCATAA[CTT>C]TCTGCAGGCCCATAACGGGCAAGGGCTGCGGGCCACCCGGCCCTCTGACGACCCCCTCAG-3'